The following is an entry in ClinVar:

NM_001037.5(SCN1B):c.631dup (p.Cys211fs)

Gene: SCN1B (sodium voltage-gated channel beta subunit 1; plus strand). Cytogenetic location: 19q13.11.
Variant type: Duplication.
Coding change: c.631dup on transcript NM_001037.5 (MANE Select); coding-DNA position 631, one base duplicated (T; older notation c.631dupT).
Protein change: p.Cys211fs; shifts the reading frame from cysteine 211.
Molecular consequence: frameshift variant.
Genome position (GRCh38, 1-based): chr19:35,039,675, T duplicated. VCF-style (leftmost placement, unchanged base first): chr19-35039674-C-CT. GRCh37 (hg19) VCF-style: chr19-35530578-C-CT.
Other names: c.532dupT (NM_001321605.2); c.532dup, p.Cys178fs (NM_001321605.2); short protein forms C178fs, C211fs.
Identifiers: ClinVar variation 2447628 (VCV002447628.7), dbSNP rs2514242174, ClinGen allele CA2580096896.
Genomic context (GRCh38, chr19:35,039,674, plus strand): 5'-TACCTGGCCTTTCCCCCACAGCTCGGAATACCTGGCCATCACCTCTGAAAGCAAAGAGAA[C>CT]TGCACGGGCGTCCAGGTGGCCGAATAGCCCTGGTAAGGCGGATGGGCTGGCAGAGGGGAA-3'

ClinVar aggregate classification (germline): Uncertain significance. Review status: criteria provided, multiple submitters, no conflicts (2 of 4 stars). 3 submissions from 3 submitters: Uncertain significance (2). 1 of the submissions does not count toward it. Last evaluated 2025-08-29.

Conditions:
Cardiovascular phenotype. Identifiers: MedGen CN230736.
Brugada syndrome 5 (BRGDA5). Identifiers: Orphanet 130, Orphanet 871, MedGen C2748541, MONDO:0013015, OMIM 612838.

Allele frequency attached by ClinVar (database versions not stated): gnomAD exomes below 0.00001.

Submissions (3):

Labcorp Genetics (formerly Invitae), Labcorp
Classification: Uncertain significance for Brugada syndrome 5. Last evaluated: 2025-08-29. Review status: criteria provided, single submitter. Criteria: Invitae Variant Classification Sherloc (09022015). Collection method: clinical testing. Allele origin: germline.
Comment: The SCN1B gene has multiple clinically relevant transcripts. This variant occurs in alternate transcript NM_001037.5, and corresponds to NM_199037.3:c.*5577_*5578insT in the primary transcript. This sequence change is expected to alter the c-terminus of the SCN1B protein (p.Cys211Leufs*23). While this is not anticipated to result in nonsense mediated decay, it is expected to disrupt the last 8 amino acid(s) of the SCN1B protein and extend the protein by 14 additional amino acid residues. This variant is not present in population databases (gnomAD no frequency). This variant has not been reported in the literature in individuals affected with SCN1B-related conditions. Experimental studies and prediction algorithms are not available or were not evaluated, and the functional significance of this variant is currently unknown. In summary, the available evidence is currently insufficient to determine the role of this variant in disease. Therefore, it has been classified as a Variant of Uncertain Significance.

Ambry Genetics
Classification: Uncertain significance for Cardiovascular phenotype. Last evaluated: 2022-11-17. Review status: criteria provided, single submitter. Criteria: Ambry Variant Classification Scheme 2023. Collection method: clinical testing. Allele origin: germline.
Comment: The c.631dupT variant, located in coding exon 5 of the SCN1B gene, results from a duplication of T at nucleotide position 631, causing a translational frameshift with a predicted alternate stop codon (p.C211Lfs*23). This alteration occurs at the 3' terminus of theSCN1B gene, is not expected to trigger nonsense-mediated mRNAdecay and results in the elongation of the protein by 14 amino acids. This frameshift impacts the last 8 amino acids (3.7%) of the native protein. The exact functional effect of the altered amino acids is unknown. Since supporting evidence is limited at this time, the clinical significance of this alteration remains unclear.

Genetics and Genomic Medicine Centre, NeuroGen Healthcare, NeuroGen Healthcare
Classification: Likely pathogenic. Last evaluated: 2020-04-27. Review status: no assertion criteria provided. Collection method: clinical testing. Allele origin: unknown. Affected: yes. Not counted in ClinVar's aggregate classification.